The following is an entry in ClinVar:

ClinVar aggregate classification (germline): Likely benign (0 of 4 stars; one submission).

Conditions:
OBSL1-related disorder. Also called: OBSL1-related condition.

Allele frequency attached by ClinVar (database versions not stated): gnomAD exomes 0.00003; ExAC 0.00006; gnomAD 0.00006; TOPMed 0.00021.
gnomAD v4.1: 29 of 717,448 alleles (0.004%); highest among the groups gnomAD compares: Admixed American, 0.03%; no homozygotes.

Submission:

PreventionGenetics, part of Exact Sciences
Classification: Likely benign for OBSL1-related condition. Last evaluated: 2020-03-16. Review status: no assertion criteria provided. Collection method: clinical testing. Allele origin: germline.
Comment: This variant is classified as likely benign based on ACMG/AMP sequence variant interpretation guidelines (Richards et al. 2015 PMID: 25741868, with internal and published modifications).

NM_015311.3(OBSL1):c.2953+431G>A

Gene: OBSL1 (obscurin like cytoskeletal adaptor 1; minus strand). Cytogenetic location: 2q35.
Variant type: single nucleotide variant.
Coding change: c.2953+431G>A on transcript NM_015311.3 (MANE Select); 431 bases into the intron after coding-DNA position 2953, G replaced by A.
Molecular consequence: intron variant. On other transcripts: synonymous variant (1).
Genome position (GRCh38, 1-based): chr2:219,561,971, C>T on the plus strand (G>A on the coding strand, the complement: OBSL1 is on the minus strand). VCF-style: chr2-219561971-C-T. GRCh37 (hg19) VCF-style: chr2-220426693-C-T.
Other names: c.2991G>A, p.Pro997= (NM_001173408.2); c.2953+431G>A (NM_001173431.2).
Identifiers: ClinVar variation 3042813 (VCV003042813.2), dbSNP rs769557742, ClinGen allele CA2131030.